The following is an entry in ClinVar:

NM_001103.4(ACTN2):c.2075T>A (p.Ile692Asn)

Gene: ACTN2 (actinin alpha 2; plus strand). Cytogenetic location: 1q43.
Variant type: single nucleotide variant.
Coding change: c.2075T>A on transcript NM_001103.4 (MANE Select); coding-DNA position 2075, T replaced by A.
Protein change: p.Ile692Asn; replaces isoleucine 692 with asparagine.
Molecular consequence: missense variant.
Genome position (GRCh38, 1-based): chr1:236,755,119, T>A. VCF-style: chr1-236755119-T-A. GRCh37 (hg19) VCF-style: chr1-236918419-T-A.
Other names: c.2075T>A, p.Ile692Asn (NM_001278343.2); c.1451T>A, p.Ile484Asn (NM_001278344.2); short protein forms I692N, I484N.
Identifiers: ClinVar variation 487588 (VCV000487588.3), dbSNP rs1553304459, ClinGen allele CA345387608.
Genomic context (GRCh38, chr1:236,755,119, plus strand): 5'-AAGACCAGATGAACCAGCTGAAGCAGTATGAGCACAACATCATCAACTATAAGAACAACA[T>A]CGACAAGCTGGAGGGAGACCATCAGCTCATCCAGGAGGCCCTTGTCTTTGACAACAAGCA-3'
Protein context (NP_001094.1, residues 682-702): EHNIINYKNN[Ile692Asn]DKLEGDHQLI

ClinVar aggregate classification (germline): Uncertain significance. Review status: criteria provided, single submitter (1 of 4 stars). 2 submissions from 2 submitters: Uncertain significance (1). 1 of the submissions does not count toward it. Last evaluated 2024-01-31.

Conditions:
Dilated cardiomyopathy 1AA (CMD1AA). Also called: CARDIOMYOPATHY, DILATED, 1AA, WITH OR WITHOUT LEFT VENTRICULAR NONCOMPACTION; CARDIOMYOPATHY, FAMILIAL HYPERTROPHIC, 23, WITH OR WITHOUT LEFT VENTRICULAR NONCOMPACTION; Cardiomyopathy, dilated, 1AA, with or without LVNC. Identifiers: Orphanet 154, MedGen C2677338, MONDO:0012808, OMIM 612158.
Primary familial hypertrophic cardiomyopathy (HCM). Identifiers: Orphanet 99739, MedGen C0949658, MeSH D024741, MONDO:0024573. Inheritance: Various modes of inheritance.
Wolff-Parkinson-White pattern. Also called: WPW SYNDROME; Auriculoventricular accessory pathway syndrome; False bundle branch block syndrome; Anomalous ventricular excitation syndrome. Identifiers: MedGen C0043202, MONDO:0008685, OMIM 194200, HP:0001716.

Submissions (2):

Labcorp Genetics (formerly Invitae), Labcorp
Classification: Uncertain significance for Primary familial hypertrophic cardiomyopathy; Dilated cardiomyopathy 1AA. Last evaluated: 2024-01-31. Review status: criteria provided, single submitter. Criteria: Invitae Variant Classification Sherloc (09022015). Collection method: clinical testing. Allele origin: germline.
Comment: This sequence change replaces isoleucine, which is neutral and non-polar, with asparagine, which is neutral and polar, at codon 692 of the ACTN2 protein (p.Ile692Asn). This variant is not present in population databases (gnomAD no frequency). This variant has not been reported in the literature in individuals affected with ACTN2-related conditions. ClinVar contains an entry for this variant (Variation ID: 487588). Advanced modeling of protein sequence and biophysical properties (such as structural, functional, and spatial information, amino acid conservation, physicochemical variation, residue mobility, and thermodynamic stability) performed at Invitae indicates that this missense variant is expected to disrupt ACTN2 protein function with a positive predictive value of 80%. In summary, the available evidence is currently insufficient to determine the role of this variant in disease. Therefore, it has been classified as a Variant of Uncertain Significance.

Lupski Lab, Baylor-Hopkins CMG, Baylor College of Medicine
Classification: Uncertain significance for Wolff-Parkinson-White pattern. Last evaluated: 2017-07-14. Review status: no assertion criteria provided. Collection method: research. Allele origin: inherited. Affected: yes. Observed: 1 variant allele. Study: Candidate_variants_in_patients_with_ Wolff-Parkinson-White Syndrome. Not counted in ClinVar's aggregate classification.